The following is an entry in ClinVar:

ClinVar aggregate classification (germline): Uncertain significance (1 of 4 stars; one submission).

Submission:

Labcorp Genetics (formerly Invitae), Labcorp
Classification: Uncertain significance. Last evaluated: 2025-02-20. Review status: criteria provided, single submitter. Criteria: Invitae Variant Classification Sherloc (09022015). Collection method: clinical testing. Allele origin: germline.
Comment: This sequence change replaces threonine, which is neutral and polar, with isoleucine, which is neutral and non-polar, at codon 105 of the FAR1 protein (p.Thr105Ile). This variant is present in population databases (no rsID available, gnomAD 0.0009%). This variant has not been reported in the literature in individuals affected with FAR1-related conditions. An algorithm developed to predict the effect of missense changes on protein structure and function (PolyPhen-2) suggests that this variant is likely to be tolerated. In summary, the available evidence is currently insufficient to determine the role of this variant in disease. Therefore, it has been classified as a Variant of Uncertain Significance.

NM_032228.6(FAR1):c.314_315delinsTA (p.Thr105Ile)

Gene: FAR1 (fatty acyl-CoA reductase 1; plus strand). Cytogenetic location: 11p15.3.
Variant type: Indel.
Coding change: c.314_315delinsTA on transcript NM_032228.6 (MANE Select); coding-DNA positions 314 to 315, CC replaced by TA.
Protein change: p.Thr105Ile; replaces threonine 105 with isoleucine.
Molecular consequence: missense variant.
Genome position (GRCh38, 1-based): chr11:13,700,441-13,700,442, CC replaced by TA. VCF-style: chr11-13700441-CC-TA. GRCh37 (hg19) VCF-style: chr11-13721988-CC-TA.
Other names: c.314_315delinsTA, p.Thr105Ile (NM_001441242.1, NM_001441243.1, NM_001441244.1 and 6 more transcripts); short protein forms T105I.
Identifiers: ClinVar variation 4690330 (VCV004690330.1).
Genomic context (GRCh38, chr11:13,700,441, plus strand): 5'-AACTCACCCAACCTAAACTGGCTCTCAGTGAAGAAGATAAAGAGGTGATCATAGATTCTA[CC>TA]AATATTATATTCCACTGTGCAGCTACAGTAAGGTTTAATGAAAATTTAAGGTAAGTACAA-3'
Protein context (NP_115604.1, residues 95-115): EEDKEVIIDS[Thr105Ile]NIIFHCAATV